The following is an entry in ClinVar:

NM_000368.5(TSC1):c.476G>T (p.Gly159Val)

Gene: TSC1 (TSC complex subunit 1; minus strand). Cytogenetic location: 9q34.13.
Variant type: single nucleotide variant.
Coding change: c.476G>T on transcript NM_000368.5 (MANE Select); coding-DNA position 476, G replaced by T.
Protein change: p.Gly159Val; replaces glycine 159 with valine.
Molecular consequence: missense variant. On other transcripts: 5 prime UTR variant (5), non-coding transcript variant (5).
Genome position (GRCh38, 1-based): chr9:132,923,380, C>A on the plus strand (G>T on the coding strand, the complement: TSC1 is on the minus strand). VCF-style: chr9-132923380-C-A. GRCh37 (hg19) VCF-style: chr9-135798767-C-A.
Other names: c.476G>T, p.Gly159Val (NM_001406599.1, NM_001406600.1, NM_001406601.1 and 16 more transcripts); c.323G>T, p.Gly108Val (NM_001406611.1, NM_001406610.1, NM_001406612.1 and 2 more transcripts); c.113G>T, p.Gly38Val (NM_001406621.1, NM_001406622.1, NM_001406623.1 and 10 more transcripts); c.-402G>T (NM_001406626.1, NM_001406627.1, NM_001406628.1); c.-544G>T (NM_001406629.1); c.-618G>T (NM_001406630.1); short protein forms G108V, G159V, G38V.
Identifiers: ClinVar variation 4808396 (VCV004808396.1).

ClinVar aggregate classification (germline): Uncertain significance (1 of 4 stars; one submission).

Conditions:
Tuberous sclerosis 1 (TSC1). Identifiers: Orphanet 805, MedGen C1854465, MONDO:0008612, OMIM 191100.

Submission:

Labcorp Genetics (formerly Invitae), Labcorp
Classification: Uncertain significance for Tuberous sclerosis 1. Last evaluated: 2025-06-09. Review status: criteria provided, single submitter. Criteria: Invitae Variant Classification Sherloc (09022015). Collection method: clinical testing. Allele origin: germline.
Comment: This sequence change replaces glycine, which is neutral and non-polar, with valine, which is neutral and non-polar, at codon 159 of the TSC1 protein (p.Gly159Val). This variant is not present in population databases (gnomAD no frequency). This variant has not been reported in the literature in individuals affected with TSC1-related conditions. Invitae Evidence Modeling of protein sequence and biophysical properties (such as structural, functional, and spatial information, amino acid conservation, physicochemical variation, residue mobility, and thermodynamic stability) has been performed for this missense variant. However, the output from this modeling did not meet the statistical confidence thresholds required to predict the impact of this variant on TSC1 protein function. In summary, the available evidence is currently insufficient to determine the role of this variant in disease. Therefore, it has been classified as a Variant of Uncertain Significance.